The following is an entry in ClinVar:

NM_001003841.3(SLC6A19):c.517G>A (p.Asp173Asn)

Gene: SLC6A19 (solute carrier family 6 member 19; plus strand). Cytogenetic location: 5p15.33.
Variant type: single nucleotide variant.
Coding change: c.517G>A on transcript NM_001003841.3 (MANE Select); coding-DNA position 517, G replaced by A.
Protein change: p.Asp173Asn; replaces aspartic acid 173 with asparagine.
Molecular consequence: missense variant.
Genome position (GRCh38, 1-based): chr5:1,212,338, G>A. VCF-style: chr5-1212338-G-A. GRCh37 (hg19) VCF-style: chr5-1212453-G-A.
Other names: short protein forms D173N.
Identifiers: ClinVar variation 2019 (VCV000002019.54), dbSNP rs121434346, ClinGen allele CA115307.
Genomic context (GRCh38, chr5:1,212,338, plus strand): 5'-GGTGTGTGAATGGCCCTCTCCCCAGGGTATGTGGACGAGTGCGCCAGGAGCTCCCCTGTG[G>A]ACTACTTCTGGTACCGAGAGACGCTCAACATCTCCACGTCCATCAGCGACTCGGGCTCCA-3'
Protein context (NP_001003841.1, residues 163-183): VDECARSSPV[Asp173Asn]YFWYRETLNI

ClinVar aggregate classification (germline): Pathogenic/Likely pathogenic. Review status: criteria provided, multiple submitters, no conflicts (2 of 4 stars). 22 submissions from 21 submitters: Pathogenic (15); Likely pathogenic (1). 6 of the submissions do not count toward it. Last evaluated 2026-01-19.

Conditions:
SLC6A19-related disorder. Also called: SLC6A19-related condition.
Iminoglycinuria. Identifiers: Orphanet 42062, MedGen C0268654, MONDO:0009448, OMIM 242600.
Hyperglycinuria. Also called: GLYCINURIA WITH OR WITHOUT OXALATE NEPHROLITHIASIS; GLYCINURIA WITH OR WITHOUT OXALATE UROLITHIASIS; IMINOGLYCINURIA TYPE II. Identifiers: MedGen C0543541, MONDO:0007677, OMIM 138500, HP:0003108.
Neutral 1 amino acid transport defect (HND). Also called: HARTNUP DISORDER; Hartnup disease. Identifiers: Orphanet 2116, MedGen C0018609, MONDO:0009324, OMIM 234500.

Allele frequency attached by ClinVar (database versions not stated): 1000 Genomes Project 0.00120; 1000 Genomes Project 30x 0.00125; gnomAD exomes 0.00156; ExAC 0.00164; TOPMed 0.00166; gnomAD 0.00167 and 0.00168.
gnomAD v4.1: 5,008 of 1,613,638 alleles (0.31%); highest among the groups gnomAD compares: Non-Finnish European, 0.41%; 12 homozygotes.

Submissions 1 to 15 of 22:

Labcorp Genetics (formerly Invitae), Labcorp
Classification: Pathogenic. Last evaluated: 2026-01-19. Review status: criteria provided, single submitter. Criteria: Invitae Variant Classification Sherloc (09022015). Collection method: clinical testing. Allele origin: germline.
Comment: This sequence change replaces aspartic acid, which is acidic and polar, with asparagine, which is neutral and polar, at codon 173 of the SLC6A19 protein (p.Asp173Asn). This variant is present in population databases (rs121434346, gnomAD 0.3%), and has an allele count higher than expected for a pathogenic variant. This missense change has been observed in individual(s) with Hartnup disorder (PMID: 15286788, 17555458, 18484095, 21814048). In at least one individual the data is consistent with being in trans (on the opposite chromosome) from a pathogenic variant. It has also been observed to segregate with disease in related individuals. ClinVar contains an entry for this variant (Variation ID: 2019). Invitae Evidence Modeling of protein sequence and biophysical properties (such as structural, functional, and spatial information, amino acid conservation, physicochemical variation, residue mobility, and thermodynamic stability) indicates that this missense variant is not expected to disrupt SLC6A19 protein function with a negative predictive value of 80%. Experimental studies have shown that this missense change affects SLC6A19 function (PMID: 15286788, 19185582). For these reasons, this variant has been classified as Pathogenic.

Variantyx, Inc.
Classification: Pathogenic for Neutral 1 amino acid transport defect. Last evaluated: 2025-11-20. Review status: criteria provided, single submitter. Criteria: Variantyx Assertion Criteria 2022. Collection method: clinical testing. Allele origin: germline. Inheritance: Autosomal recessive inheritance. Affected: yes.
Comment: This is a nonsynonymous variant in the SLC6A19 gene (OMIM: 608893). Pathogenic variants in this gene have been associated with autosomal recessive Hartnup disorder. This variant has been identified in the homozygous or compound heterozygous state in several individuals reported in the published literature (PMID: 17555458, 15286788) (PM3). Functional studies have shown that this variant alters SLC6A19 protein function (PMID: 15286788) (PS3), but multiple computational algorithms predict no functional impact for this variant (REVEL score: 0.179) (BP4). This variant has a 0.4054% maximum allele frequency in non-founder control populations (PM2). Based on the current evidence, this variant is classified as pathogenic for autosomal recessive Hartnup disorder.

GeneDx
Classification: Pathogenic. Last evaluated: 2025-08-18. Review status: criteria provided, single submitter. Criteria: GeneDx Variant Classification Process June 2021. Collection method: clinical testing. Allele origin: germline. Affected: yes.
Comment: Published functional studies have shown the SLC6A19 transport activity was reduced in the D173N construct compared to wild type (PMID: 19185582, 15286788); In silico analysis supports that this missense variant does not alter protein structure/function; This variant is associated with the following publications: (PMID: 28787443, 15286788, 17555458, 25082825, 29431110, 30665703, 30487145, 31908951, 31980526, 34041853, 33848968, 31589614, 34426522, 18484095, 34297361, 19185582, 37940347)

Mayo Clinic Laboratories, Mayo Clinic
Classification: Pathogenic. Last evaluated: 2025-02-10. Review status: criteria provided, single submitter. Criteria: ACMG Guidelines, 2015. Collection method: clinical testing. Allele origin: germline. Observed: 5 variant alleles.
Comment: PP1_moderate, PM3_very_strong, PS3_supporting

Blueprint Genetics
Classification: Pathogenic for SLC6A19-related disorders. Last evaluated: 2024-11-23. Review status: criteria provided, single submitter. Criteria: ACMG Guidelines, 2015. Collection method: clinical testing. Allele origin: de novo. Affected: yes. Observed: 5 variant alleles.

Fulgent Genetics
Classification: Pathogenic for Neutral 1 amino acid transport defect. Last evaluated: 2024-05-13. Review status: criteria provided, single submitter. Criteria: ACMG Guidelines, 2015. Collection method: clinical testing. Allele origin: germline.

Women's Health and Genetics/Laboratory Corporation of America, LabCorp
Classification: Pathogenic for Neutral 1 amino acid transport defect. Last evaluated: 2024-01-03. Review status: criteria provided, single submitter. Criteria: LabCorp Variant Classification Summary - May 2015. Collection method: clinical testing. Allele origin: germline.
Comment: Variant summary: SLC6A19 c.517G>A (p.Asp173Asn) results in a conservative amino acid change to a highly conserved residue (HGMD) in the encoded protein sequence. Four of five in-silico tools predict a benign effect of the variant on protein function. The variant allele was found at a frequency of 0.0016 in 250978 control chromosomes, predominantly at a frequency of 0.0031 within the Non-Finnish European subpopulation in the gnomAD database. c.517G>A has been reported in the literature in multiple individuals affected with Hartnup Disease (Seow_2004, Schuermans_2022), including those that were compound heterozygous with other pathogenic variants. These data indicate that the variant is very likely to be associated with disease. At least one publication reports experimental evidence evaluating an impact on protein function, finding that the variant resulted in <50% of wild type leucine transport activity (Seow_2004). The following publications have been ascertained in the context of this evaluation (PMID: 15286788, 35606766). 13 submitters have cited clinical-significance assessments for this variant to ClinVar after 2014, and classified it as pathogenic (n=10), likely pathogenic (n=2), or uncertain significance (n=1). Based on the evidence outlined above, the variant was classified as pathogenic.

Revvity Omics, Revvity
Classification: Pathogenic for Neutral 1 amino acid transport defect. Last evaluated: 2023-12-19. Review status: criteria provided, single submitter. Criteria: ACMG Guidelines, 2015. Collection method: clinical testing. Allele origin: germline.

Department of Pathology and Laboratory Medicine, Sinai Health System
Classification: Pathogenic for Neutral 1 amino acid transport defect. Last evaluated: 2023-04-16. Review status: criteria provided, single submitter. Criteria: ACMG Guidelines, 2015. Collection method: research. Allele origin: germline.

Laboratorio de Genetica e Diagnostico Molecular, Hospital Israelita Albert Einstein
Classification: Pathogenic for Neutral 1 amino acid transport defect. Last evaluated: 2023-04-05. Review status: criteria provided, single submitter. Criteria: ACMG Guidelines, 2015. Collection method: clinical testing. Allele origin: germline. Affected: yes.
Comment: ACMG classification criteria: PS3 supporting, PM3 very strong, PP1 supporting, BP4 supporting

Institute for Clinical Genetics, University Hospital TU Dresden, University Hospital TU Dresden
Classification: Likely pathogenic. Last evaluated: 2021-11-03. Review status: criteria provided, single submitter. Criteria: ACMG Guidelines, 2015. Collection method: clinical testing. Allele origin: germline.

Fulgent Genetics
Classification: Pathogenic for Hyperglycinuria; Neutral 1 amino acid transport defect; Iminoglycinuria. Last evaluated: 2018-10-31. Review status: criteria provided, single submitter. Criteria: ACMG Guidelines, 2015. Collection method: clinical testing. Allele origin: unknown.

Center for Pediatric Genomic Medicine, Children's Mercy Hospital and Clinics
Classification: Pathogenic. Last evaluated: 2017-07-24. Review status: criteria provided, single submitter. Criteria: ACMG Guidelines, 2015. Collection method: clinical testing. Allele origin: germline.

Genetic Services Laboratory, University of Chicago
Classification: Pathogenic for Hartnup disorder. Last evaluated: 2016-08-04. Review status: criteria provided, single submitter. Criteria: ACMG Guidelines, 2015. Collection method: clinical testing. Allele origin: germline. Affected: yes.

Eurofins Ntd Llc (ga)
Classification: Pathogenic. Last evaluated: 2015-11-13. Review status: criteria provided, single submitter. Criteria: EGL Classification Definitions 2015. Collection method: clinical testing. Allele origin: germline. Observed: 1 variant allele, 1 heterozygote.